The following is an entry in ClinVar:

NM_001354604.2(MITF):c.141G>T (p.Pro47=)

Gene: MITF (melanocyte inducing transcription factor; plus strand). Cytogenetic location: 3p13.
Variant type: single nucleotide variant.
Coding change: c.141G>T on transcript NM_001354604.2 (MANE Select); coding-DNA position 141, G replaced by T.
Protein change: p.Pro47=; no amino-acid change (proline 47 retained).
Molecular consequence: synonymous variant. On other transcripts: 5 prime UTR variant (2).
Genome position (GRCh38, 1-based): chr3:69,879,170, G>T. VCF-style: chr3-69879170-G-T. GRCh37 (hg19) VCF-style: chr3-69928321-G-T.
Other names: c.-16G>T (NM_001184967.2, NM_001354608.2); c.138G>T, p.Pro46= (NM_001354605.2, NM_001354606.2, NM_006722.3); c.90G>T, p.Pro30= (NM_001354607.2); c.141G>T, p.Pro47= (NM_198159.3); c.93G>T, p.Pro31= (NM_198177.3).
Identifiers: ClinVar variation 3047190 (VCV003047190.2), dbSNP rs199697494, ClinGen allele CA2490254.

ClinVar aggregate classification (germline): Likely benign (0 of 4 stars; one submission).

Conditions:
MITF-related disorder. Also called: MITF-related condition.

Allele frequency attached by ClinVar (database versions not stated): TOPMed 0.00004.
gnomAD v4.1: 42 of 1,614,086 alleles (0.0026%); highest among the groups gnomAD compares: Middle Eastern, 0.033%; no homozygotes.

Submission:

PreventionGenetics, part of Exact Sciences
Classification: Likely benign for MITF-related condition. Last evaluated: 2019-03-27. Review status: no assertion criteria provided. Collection method: clinical testing. Allele origin: germline.
Comment: This variant is classified as likely benign based on ACMG/AMP sequence variant interpretation guidelines (Richards et al. 2015 PMID: 25741868, with internal and published modifications).